The following is an entry in ClinVar:

ClinVar aggregate classification (germline): Uncertain significance (1 of 4 stars; one submission).

Submission:

Labcorp Genetics (formerly Invitae), Labcorp
Classification: Uncertain significance. Last evaluated: 2024-10-16. Review status: criteria provided, single submitter. Criteria: Invitae Variant Classification Sherloc (09022015). Collection method: clinical testing. Allele origin: germline.
Comment: This sequence change replaces arginine, which is basic and polar, with tryptophan, which is neutral and slightly polar, at codon 80 of the FLVCR1 protein (p.Arg80Trp). Information on the frequency of this variant in the gnomAD database is not available, as this variant may be reported differently in the database. This variant has not been reported in the literature in individuals affected with FLVCR1-related conditions. ClinVar contains an entry for this variant (Variation ID: 1426561). Experimental studies and prediction algorithms are not available or were not evaluated, and the functional significance of this variant is currently unknown. In summary, the available evidence is currently insufficient to determine the role of this variant in disease. Therefore, it has been classified as a Variant of Uncertain Significance.

NM_014053.4(FLVCR1):c.237_238delinsTT (p.Arg80Trp)

Genes: FLVCR1 (FLVCR choline and heme transporter 1; plus strand), LOC129932486 (ATAC-STARR-seq lymphoblastoid silent region 1807; plus strand). Cytogenetic location: 1q32.3.
Variant type: Indel.
Coding change: c.237_238delinsTT on transcript NM_014053.4 (MANE Select); coding-DNA positions 237 to 238, CC replaced by TT.
Protein change: p.Arg80Trp; replaces arginine 80 with tryptophan.
Molecular consequence: missense variant.
Genome position (GRCh38, 1-based): chr1:212,858,689-212,858,690, CC replaced by TT. VCF-style: chr1-212858689-CC-TT. GRCh37 (hg19) VCF-style: chr1-213032031-CC-TT.
Other names: short protein forms R80W.
Identifiers: ClinVar variation 1426561 (VCV001426561.8), dbSNP rs2102526347, ClinGen allele CA2573131506.